The following is an entry in ClinVar:

NM_000075.4(CDK4):c.569C>T (p.Thr190Ile)

Gene: CDK4 (cyclin dependent kinase 4; minus strand). Cytogenetic location: 12q14.1.
Variant type: single nucleotide variant.
Coding change: c.569C>T on transcript NM_000075.4 (MANE Select); coding-DNA position 569, C replaced by T.
Protein change: p.Thr190Ile; replaces threonine 190 with isoleucine.
Molecular consequence: missense variant.
Genome position (GRCh38, 1-based): chr12:57,750,719, G>A on the plus strand (C>T on the coding strand, the complement: CDK4 is on the minus strand). VCF-style: chr12-57750719-G-A. GRCh37 (hg19) VCF-style: chr12-58144502-G-A.
Other names: short protein forms T190I.
Identifiers: ClinVar variation 1464974 (VCV001464974.8), dbSNP rs2140385772, ClinGen allele CA385545841.

ClinVar aggregate classification (germline): Uncertain significance (1 of 4 stars; one submission).

Conditions:
Familial melanoma. Also called: Hereditary melanoma; Hereditary cutaneous melanoma. Identifiers: Orphanet 618, MedGen C1512419, MONDO:0018961.

Allele frequency attached by ClinVar (database versions not stated): gnomAD exomes below 0.00001.

Submission:

Labcorp Genetics (formerly Invitae), Labcorp
Classification: Uncertain significance for Familial melanoma. Last evaluated: 2022-10-14. Review status: criteria provided, single submitter. Criteria: Invitae Variant Classification Sherloc (09022015). Collection method: clinical testing. Allele origin: germline.
Comment: In summary, the available evidence is currently insufficient to determine the role of this variant in disease. Therefore, it has been classified as a Variant of Uncertain Significance. Advanced modeling of protein sequence and biophysical properties (such as structural, functional, and spatial information, amino acid conservation, physicochemical variation, residue mobility, and thermodynamic stability) performed at Invitae indicates that this missense variant is not expected to disrupt CDK4 protein function. ClinVar contains an entry for this variant (Variation ID: 1464974). This variant has not been reported in the literature in individuals affected with CDK4-related conditions. This variant is not present in population databases (gnomAD no frequency). This sequence change replaces threonine, which is neutral and polar, with isoleucine, which is neutral and non-polar, at codon 190 of the CDK4 protein (p.Thr190Ile).